The following is an entry in ClinVar:

NM_014915.3(ANKRD26):c.2161+5G>A

Gene: ANKRD26 (ankyrin repeat domain 26; minus strand). Cytogenetic location: 10p12.1.
Variant type: single nucleotide variant.
Coding change: c.2161+5G>A on transcript NM_014915.3 (MANE Select); 5 bases into the intron after coding-DNA position 2161, G replaced by A.
Molecular consequence: intron variant.
Genome position (GRCh38, 1-based): chr10:27,043,421, C>T on the plus strand (G>A on the coding strand, the complement: ANKRD26 is on the minus strand). VCF-style: chr10-27043421-C-T. GRCh37 (hg19) VCF-style: chr10-27332350-C-T.
Other names: c.2158+5G>A (NM_001256053.2).
Identifiers: ClinVar variation 2900301 (VCV002900301.3), dbSNP rs200396367, ClinGen allele CA5448291.

ClinVar aggregate classification (germline): Uncertain significance (1 of 4 stars; one submission).

Allele frequency attached by ClinVar (database versions not stated): TOPMed below 0.00001; ExAC 0.00003; gnomAD exomes 0.00004.
gnomAD v4.1: 56 of 1,613,756 alleles (0.0035%); highest among the groups gnomAD compares: Non-Finnish European, 0.0047%; no homozygotes.

Submission:

Labcorp Genetics (formerly Invitae), Labcorp
Classification: Uncertain significance. Last evaluated: 2026-01-13. Review status: criteria provided, single submitter. Criteria: Invitae Variant Classification Sherloc (09022015). Collection method: clinical testing. Allele origin: germline.
Comment: This sequence change falls in intron 20 of the ANKRD26 gene. It does not directly change the encoded amino acid sequence of the ANKRD26 protein. It affects a nucleotide within the consensus splice site. This variant is present in population databases (rs200396367, gnomAD 0.004%). This variant has not been reported in the literature in individuals affected with ANKRD26-related conditions. ClinVar contains an entry for this variant (Variation ID: 2900301). Variants that disrupt the consensus splice site are a relatively common cause of aberrant splicing (PMID: 17576681, 9536098). Algorithms developed to predict the effect of sequence changes on RNA splicing suggest that this variant is not likely to affect RNA splicing. In summary, the available evidence is currently insufficient to determine the role of this variant in disease. Therefore, it has been classified as a Variant of Uncertain Significance.

Literature cited by the submitters: PubMed 17576681; PubMed 9536098.